The following is an entry in ClinVar:

ClinVar aggregate classification (germline): Benign/Likely benign. Review status: criteria provided, multiple submitters, no conflicts (2 of 4 stars). 6 submissions from 6 submitters: Benign (5); Likely benign (1). Last evaluated 2024-11-27.

Conditions:
Amelogenesis imperfecta hypomaturation type 2A3. Also called: Amelogenesis imperfecta, type IIA3. Identifiers: Orphanet 88661, MedGen C2750771, MONDO:0013181, OMIM 613211. Disease mechanism: loss of function.

Allele frequency attached by ClinVar (database versions not stated): ESP Exome Variant Server 0.19951; gnomAD 0.21505 and 0.22036; TOPMed 0.22316; gnomAD exomes 0.23404 and 0.26142; ExAC 0.25490; 1000 Genomes Project 30x 0.26359; 1000 Genomes Project 0.26697.
gnomAD v4.1: 375,231 of 1,613,084 alleles (23%); highest among the groups gnomAD compares: East Asian, 43%; 46,614 homozygotes.

Submissions (6):

Blueprint Genetics
Classification: Benign. Last evaluated: 2024-11-27. Review status: criteria provided, single submitter. Criteria: ACMG Guidelines, 2015. Collection method: clinical testing. Allele origin: germline.

Mayo Clinic Laboratories, Mayo Clinic
Classification: Benign. Last evaluated: 2022-11-11. Review status: criteria provided, single submitter. Criteria: ACMG Guidelines, 2015. Collection method: clinical testing. Allele origin: germline. Observed: 33 variant alleles.
Comment: BA1, BS2

Genome-Nilou Lab
Classification: Benign for Amelogenesis imperfecta hypomaturation type 2A3. Last evaluated: 2021-12-05. Review status: criteria provided, single submitter. Criteria: ACMG Guidelines, 2015. Collection method: clinical testing. Allele origin: germline. Affected: no.

GeneDx
Classification: Benign. Last evaluated: 2020-11-02. Review status: criteria provided, single submitter. Criteria: GeneDx Variant Classification Process June 2021. Collection method: clinical testing. Allele origin: germline. Affected: yes.
Comment: This variant is associated with the following publications: (PMID: 22797727)

Breakthrough Genomics
Classification: Likely benign. Review status: criteria provided, single submitter. Criteria: ACMG Guidelines, 2015. Collection method: not provided. Allele origin: germline. Inheritance: Autosomal recessive inheritance. Affected: yes.

PreventionGenetics, part of Exact Sciences
Classification: Benign. Review status: criteria provided, single submitter. Criteria: ACMG Guidelines, 2015. Collection method: clinical testing. Allele origin: germline.

NM_182758.4(WDR72):c.2455C>T (p.Leu819Phe)

Gene: WDR72 (WD repeat domain 72; minus strand). Cytogenetic location: 15q21.3.
Variant type: single nucleotide variant.
Coding change: c.2455C>T on transcript NM_182758.4 (MANE Select); coding-DNA position 2455, C replaced by T.
Protein change: p.Leu819Phe; replaces leucine 819 with phenylalanine.
Molecular consequence: missense variant. On other transcripts: non-coding transcript variant (1).
Genome position (GRCh38, 1-based): chr15:53,615,751, G>A on the plus strand (C>T on the coding strand, the complement: WDR72 is on the minus strand). VCF-style: chr15-53615751-G-A. GRCh37 (hg19) VCF-style: chr15-53907948-G-A.
Other names: short protein forms L819F.
Identifiers: ClinVar variation 262999 (VCV000262999.11), dbSNP rs17730281, ClinGen allele CA7570856.